The following is an entry in ClinVar:

NM_004260.4(RECQL4):c.4G>C (p.Glu2Gln)

Genes: RECQL4 (RecQ like helicase 4; minus strand), LOC130001411 (ATAC-STARR-seq lymphoblastoid silent region 19699; plus strand). Cytogenetic location: 8q24.3.
Variant type: single nucleotide variant.
Coding change: c.4G>C on transcript NM_004260.4 (MANE Select); coding-DNA position 4, G replaced by C.
Protein change: p.Glu2Gln; replaces glutamic acid 2 with glutamine.
Molecular consequence: missense variant. On other transcripts: 5 prime UTR variant (17), non-coding transcript variant (3).
Genome position (GRCh38, 1-based): chr8:144,517,781, C>G on the plus strand (G>C on the coding strand, the complement: RECQL4 is on the minus strand). VCF-style: chr8-144517781-C-G. GRCh37 (hg19) VCF-style: chr8-145743165-C-G.
Other names: c.4G>C, p.Glu2Gln (NM_001413017.1, NM_001413033.1, NM_001413036.1 and 6 more transcripts); c.-1195G>C (NM_001413031.1, NM_001413041.1, NM_001413030.1); c.-1027G>C (NM_001413032.1); c.-1037G>C (NM_001413034.1); c.-965G>C (NM_001413035.1); c.-1133G>C (NM_001413037.1, NM_001413038.1, NM_001413042.1 and 2 more transcripts); c.-1038G>C (NM_001413040.1); c.-1402G>C (NM_001413043.1); and 4 more; short protein forms E2Q.
Identifiers: ClinVar variation 2989073 (VCV002989073.3), dbSNP rs2538135445, ClinGen allele CA372694036.

ClinVar aggregate classification (germline): Uncertain significance (1 of 4 stars; one submission).

Conditions:
Baller-Gerold syndrome (BGS). Also called: CRANIOSYNOSTOSIS WITH RADIAL DEFECTS. Identifiers: Orphanet 1225, MedGen C0265308, MONDO:0009039, OMIM 218600.

Submission:

Labcorp Genetics (formerly Invitae), Labcorp
Classification: Uncertain significance for Baller-Gerold syndrome. Last evaluated: 2022-11-23. Review status: criteria provided, single submitter. Criteria: Invitae Variant Classification Sherloc (09022015). Collection method: clinical testing. Allele origin: germline.
Comment: In summary, the available evidence is currently insufficient to determine the role of this variant in disease. Therefore, it has been classified as a Variant of Uncertain Significance. Experimental studies and prediction algorithms are not available or were not evaluated, and the functional significance of this variant is currently unknown. This variant has not been reported in the literature in individuals affected with RECQL4-related conditions. This variant is not present in population databases (gnomAD no frequency). This sequence change replaces glutamic acid, which is acidic and polar, with glutamine, which is neutral and polar, at codon 2 of the RECQL4 protein (p.Glu2Gln).